The following is an entry in ClinVar:

ClinVar aggregate classification (germline): Uncertain significance (1 of 4 stars; one submission).

Allele frequency attached by ClinVar (database versions not stated): gnomAD exomes below 0.00001; TOPMed below 0.00001.
gnomAD v4.1: 5 of 1,613,662 alleles (0.00031%); highest among the groups gnomAD compares: African/African-American, 0.0053%; no homozygotes.

Submission:

GeneDx
Classification: Uncertain significance. Last evaluated: 2022-05-17. Review status: criteria provided, single submitter. Criteria: GeneDx Variant Classification Process June 2021. Collection method: clinical testing. Allele origin: germline. Affected: yes.
Comment: Not observed at significant frequency in large population cohorts (gnomAD); In silico analysis supports that this missense variant does not alter protein structure/function; Has not been previously published as pathogenic or benign to our knowledge

NM_001134831.2(AHI1):c.113T>C (p.Val38Ala)

Gene: AHI1 (Abelson helper integration site 1; minus strand). Cytogenetic location: 6q23.3.
Variant type: single nucleotide variant.
Coding change: c.113T>C on transcript NM_001134831.2 (MANE Select); coding-DNA position 113, T replaced by C.
Protein change: p.Val38Ala; replaces valine 38 with alanine.
Molecular consequence: missense variant.
Genome position (GRCh38, 1-based): chr6:135,490,645, A>G on the plus strand (T>C on the coding strand, the complement: AHI1 is on the minus strand). VCF-style: chr6-135490645-A-G. GRCh37 (hg19) VCF-style: chr6-135811783-A-G.
Other names: c.113T>C, p.Val38Ala (NM_001134830.2, NM_001134832.2, NM_001350503.2 and 2 more transcripts); short protein forms V38A.
Identifiers: ClinVar variation 1800522 (VCV001800522.1), dbSNP rs1361550727, ClinGen allele CA365740868.
Genomic context (GRCh38, chr6:135,490,645, plus strand): 5'-ATATGTAAATCACTATTACCCAATGATCATTTACTTACTGAGATGTTTTCTTCAGACCTG[A>G]CAAGTTTTTTCTTCAGTTTTTTCTTTTCACGCATTAGATCACTGTGGGTCTTAAGCAATT-3'
Protein context (NP_001128303.1, residues 28-48): REKKKLKKKL[Val38Ala]RSEENISPDT